The following is an entry in ClinVar:

NM_001042413.2(GLIS3):c.2531T>C (p.Ile844Thr)

Gene: GLIS3 (GLIS family zinc finger 3; minus strand). Cytogenetic location: 9p24.2.
Variant type: single nucleotide variant.
Coding change: c.2531T>C on transcript NM_001042413.2 (MANE Select); coding-DNA position 2531, T replaced by C.
Protein change: p.Ile844Thr; replaces isoleucine 844 with threonine.
Molecular consequence: missense variant.
Genome position (GRCh38, 1-based): chr9:3,829,435, A>G on the plus strand (T>C on the coding strand, the complement: GLIS3 is on the minus strand). VCF-style: chr9-3829435-A-G. GRCh37 (hg19) VCF-style: chr9-3829435-A-G.
Other names: c.2066T>C, p.Ile689Thr (NM_152629.4); short protein forms I844T, I689T.
Identifiers: ClinVar variation 1398568 (VCV001398568.9), dbSNP rs193061752, ClinGen allele CA4967730.

ClinVar aggregate classification (germline): Uncertain significance. Review status: criteria provided, multiple submitters, no conflicts (2 of 4 stars). 2 submissions from 2 submitters: Uncertain significance (2). Last evaluated 2021-07-07.

Conditions:
Neonatal diabetes mellitus with congenital hypothyroidism. Also called: NDH SYNDROME. Identifiers: Orphanet 79118, MedGen C1857775, MONDO:0012436, OMIM 610199.

Allele frequency attached by ClinVar (database versions not stated): ExAC 0.00004; gnomAD exomes 0.00004; TOPMed 0.00005; gnomAD 0.00009; 1000 Genomes Project 30x 0.00016; 1000 Genomes Project 0.00020.
gnomAD v4.1: 60 of 1,614,126 alleles (0.0037%); highest among the groups gnomAD compares: African/African-American, 0.021%; no homozygotes.

Submissions (2):

Fulgent Genetics
Classification: Uncertain significance for Neonatal diabetes mellitus with congenital hypothyroidism. Last evaluated: 2021-07-07. Review status: criteria provided, single submitter. Criteria: ACMG Guidelines, 2015. Collection method: clinical testing. Allele origin: unknown.

Labcorp Genetics (formerly Invitae), Labcorp
Classification: Uncertain significance. Last evaluated: 2021-03-24. Review status: criteria provided, single submitter. Criteria: Invitae Variant Classification Sherloc (09022015). Collection method: clinical testing. Allele origin: germline.
Comment: In summary, the available evidence is currently insufficient to determine the role of this variant in disease. Therefore, it has been classified as a Variant of Uncertain Significance. Algorithms developed to predict the effect of missense changes on protein structure and function output the following: SIFT: "Tolerated"; PolyPhen-2: "Benign"; Align-GVGD: "Class C0". The threonine amino acid residue is found in multiple mammalian species, suggesting that this missense change does not adversely affect protein function. These predictions have not been confirmed by published functional studies and their clinical significance is uncertain. This variant has not been reported in the literature in individuals with GLIS3-related conditions. This variant is present in population databases (rs193061752, ExAC 0.02%). This sequence change replaces isoleucine with threonine at codon 689 of the GLIS3 protein (p.Ile689Thr). The isoleucine residue is weakly conserved and there is a moderate physicochemical difference between isoleucine and threonine.